The following is an entry in ClinVar:

ClinVar aggregate classification (germline): Benign/Likely benign. Review status: criteria provided, multiple submitters, no conflicts (2 of 4 stars). 3 submissions from 3 submitters: Benign (1); Likely benign (2). Last evaluated 2025-02-16.

Allele frequency attached by ClinVar (database versions not stated): gnomAD 0.00014; ExAC 0.00019; 1000 Genomes Project 0.00240.
gnomAD v4.1: 157 of 1,609,770 alleles (0.0098%); highest among the groups gnomAD compares: Middle Eastern, 0.066%; no homozygotes.

Submissions (3):

Laboratory of Genetics, Children's Clinical University Hospital Latvia
Classification: Benign. Last evaluated: 2025-02-16. Review status: criteria provided, single submitter. Criteria: ACMG Guidelines, 2015. Collection method: clinical testing. Allele origin: germline. Affected: yes.

Blueprint Genetics
Classification: Likely benign. Last evaluated: 2024-06-11. Review status: criteria provided, single submitter. Criteria: ACMG Guidelines, 2015. Collection method: clinical testing. Allele origin: germline.

CeGaT Center for Human Genetics Tuebingen
Classification: Likely benign. Last evaluated: 2024-01-01. Review status: criteria provided, single submitter. Criteria: CeGaT Center For Human Genetics Tuebingen Variant Classification Criteria Version 2. Collection method: clinical testing. Allele origin: germline. Affected: yes. Observed: 2 variant alleles.
Comment: FLG: BP4, BP7, BS2

NM_002016.2(FLG):c.7641G>A (p.Ser2547=)

Genes: CCDST (cervical cancer associated DHX9 suppressive transcript; plus strand), FLG (filaggrin; minus strand). Cytogenetic location: 1q21.3.
Variant type: single nucleotide variant.
Coding change: c.7641G>A on transcript NM_002016.2 (MANE Select); coding-DNA position 7641, G replaced by A.
Protein change: p.Ser2547=; no amino-acid change (serine 2547 retained).
Molecular consequence: synonymous variant.
Genome position (GRCh38, 1-based): chr1:152,307,245, C>T on the plus strand (G>A on the coding strand, the complement: FLG is on the minus strand). VCF-style: chr1-152307245-C-T. GRCh37 (hg19) VCF-style: chr1-152279721-C-T.
Identifiers: ClinVar variation 2639263 (VCV002639263.26), dbSNP rs12081090, ClinGen allele CA1104612.